The following is an entry in ClinVar:

ClinVar aggregate classification (germline): Uncertain significance (1 of 4 stars; one submission).

Submission:

Labcorp Genetics (formerly Invitae), Labcorp
Classification: Uncertain significance. Last evaluated: 2021-12-06. Review status: criteria provided, single submitter. Criteria: Invitae Variant Classification Sherloc (09022015). Collection method: clinical testing. Allele origin: germline.
Comment: In summary, the available evidence is currently insufficient to determine the role of this variant in disease. Therefore, it has been classified as a Variant of Uncertain Significance. Algorithms developed to predict the effect of missense changes on protein structure and function are either unavailable or do not agree on the potential impact of this missense change (SIFT: "Tolerated"; PolyPhen-2: "Possibly Damaging"; Align-GVGD: "Class C0"). This variant has not been reported in the literature in individuals affected with THBD-related conditions. This variant is not present in population databases (gnomAD no frequency). This sequence change replaces aspartic acid, which is acidic and polar, with asparagine, which is neutral and polar, at codon 69 of the THBD protein (p.Asp69Asn).

NM_000361.3(THBD):c.205G>A (p.Asp69Asn)

Gene: THBD (thrombomodulin; minus strand). Cytogenetic location: 20p11.21.
Variant type: single nucleotide variant.
Coding change: c.205G>A on transcript NM_000361.3 (MANE Select); coding-DNA position 205, G replaced by A.
Protein change: p.Asp69Asn; replaces aspartic acid 69 with asparagine.
Molecular consequence: missense variant.
Genome position (GRCh38, 1-based): chr20:23,049,300, C>T on the plus strand (G>A on the coding strand, the complement: THBD is on the minus strand). VCF-style: chr20-23049300-C-T. GRCh37 (hg19) VCF-style: chr20-23029937-C-T.
Other names: short protein forms D69N.
Identifiers: ClinVar variation 1492538 (VCV001492538.6), dbSNP rs1228119523, ClinGen allele CA408408167.